The following is an entry in ClinVar:

NM_201599.3(ZMYM3):c.1971C>T (p.Ser657=)

Gene: ZMYM3 (zinc finger MYM-type containing 3; minus strand). Cytogenetic location: Xq13.1.
Variant type: single nucleotide variant.
Coding change: c.1971C>T on transcript NM_201599.3 (MANE Select); coding-DNA position 1971, C replaced by T.
Protein change: p.Ser657=; no amino-acid change (serine 657 retained).
Molecular consequence: synonymous variant.
Genome position (GRCh38, 1-based): chrX:71,248,166, G>A on the plus strand (C>T on the coding strand, the complement: ZMYM3 is on the minus strand). VCF-style: chrX-71248166-G-A. GRCh37 (hg19) VCF-style: chrX-70468016-G-A.
Other names: c.1971C>T, p.Ser657= (NM_001171162.1, NM_005096.3).
Identifiers: ClinVar variation 4872578 (VCV004872578.2).
Genomic context (GRCh38, chrX:71,248,166, plus strand): 5'-CTCCATTCTCCCTGGCTGGGAGTTATAGTGTCTTCTGCCCTTCCCCATCTCCTTACCTTC[G>A]CTGCAGAAGCTTTTCTCCACTCCGCTGAATCGGAGTTTCTCATGCAAGAGTTTCTCCTGC-3'
Protein context (NP_963893.1, residues 647-667): RFSGVEKSFC[Ser657=]EGCVLLYKQD

ClinVar aggregate classification (germline): Likely benign (1 of 4 stars; one submission).

gnomAD v4.1: 92 of 1,208,490 alleles (0.0076%); highest among the groups gnomAD compares: Admixed American, 0.015%; no homozygotes.

Submission:

CeGaT Center for Human Genetics Tuebingen
Classification: Likely benign. Last evaluated: 2026-06-01. Review status: criteria provided, single submitter. Criteria: CeGaT Center For Human Genetics Tuebingen Variant Classification Criteria Version 2. Collection method: clinical testing. Allele origin: germline. Affected: yes. Observed: 1 variant allele.
Comment: ZMYM3: BP4, BP7, BS2